The following is an entry in ClinVar:

NM_001144967.3(NEDD4L):c.2614G>C (p.Gly872Arg)

Gene: NEDD4L (NEDD4 like E3 ubiquitin protein ligase; plus strand). Cytogenetic location: 18q21.31.
Variant type: single nucleotide variant.
Coding change: c.2614G>C on transcript NM_001144967.3 (MANE Select); coding-DNA position 2614, G replaced by C.
Protein change: p.Gly872Arg; replaces glycine 872 with arginine.
Molecular consequence: missense variant.
Genome position (GRCh38, 1-based): chr18:58,389,151, G>C. VCF-style: chr18-58389151-G-C. GRCh37 (hg19) VCF-style: chr18-56056383-G-C.
Other names: c.2554G>C (NM_015277.5); c.2251G>C, p.Gly751Arg (NM_001144964.1, NM_001144965.2, NM_001144966.3); c.2590G>C, p.Gly864Arg (NM_001144968.2); c.2530G>C, p.Gly844Arg (NM_001144969.2); c.2191G>C, p.Gly731Arg (NM_001144970.3, NM_001144971.2); c.2422G>C, p.Gly808Arg (NM_001243960.2); c.2554G>C, p.Gly852Arg (NM_015277.6); short protein forms G731R, G751R, G808R, G844R, G852R, G864R, G872R.
Identifiers: ClinVar variation 2672201 (VCV002672201.2), dbSNP rs746532070, ClinGen allele CA402558811.
Genomic context (GRCh38, chr18:58,389,151, plus strand): 5'-ATGTGCGGCCTCGGTGATGTGGATGTGAATGACTGGAGACAGCATTCTATTTACAAGAAC[G>C]GCTACTGCCCAAACCACCCCGTCATTCAGTGGTTCTGGAAGGTAACTCCGGGGCCCAGCC-3'
Protein context (NP_001138439.1, residues 862-882): DWRQHSIYKN[Gly872Arg]YCPNHPVIQW

ClinVar aggregate classification (germline): Uncertain significance. Review status: criteria provided, multiple submitters, no conflicts (2 of 4 stars). 2 submissions from 2 submitters: Uncertain significance (2). Last evaluated 2025-03-16.

Conditions:
NEDD4L-related disorder. Also called: NEDD4L-related condition.
Periventricular nodular heterotopia 7 (PVNH7). Identifiers: MedGen C4310669, MONDO:0014966, OMIM 617201.

gnomAD v4.1: 3 of 1,613,808 alleles (0.00019%); highest among the groups gnomAD compares: South Asian, 0.0011%; no homozygotes.

Submissions (2):

PreventionGenetics, part of Exact Sciences
Classification: Uncertain significance for NEDD4L-related condition. Last evaluated: 2025-03-16. Review status: criteria provided, single submitter. Criteria: ACMG Guidelines, 2015. Collection method: clinical testing. Allele origin: germline.
Comment: The NEDD4L c.2554G>C variant is predicted to result in the amino acid substitution p.Gly852Arg. To our knowledge, this variant has not been reported in the literature or in a large population database (gnomAD), indicating this variant is rare. At this time, the clinical significance of this variant is uncertain due to the absence of conclusive functional and genetic evidence.

Clinical Genomics Laboratory, Washington University in St. Louis
Classification: Uncertain significance for Periventricular nodular heterotopia 7. Last evaluated: 2023-08-09. Review status: criteria provided, single submitter. Criteria: ACMG Guidelines, 2015. Collection method: clinical testing. Allele origin: germline.
Comment: The NEDD4L c.2614G>C (p.Gly872Arg) variant, to our knowledge, has not been reported in the medical literature and is absent from the general population (gnomAD v.2.1.1), indicating it is not a common variant. This codon occurs in the HECT domain and exchanges a neutral non-polar glycine for a positively charged arginine. However, computational predictors are uncertain as to the impact of this variant on NEDD4L function. Due to limited information, and based on ACMG/AMP guidelines for variant interpretation (Richards S et al., PMID: 25741868), the clinical significance of this variant is uncertain at this time.